The following is an entry in ClinVar:

ClinVar aggregate classification (germline): Uncertain significance. Review status: criteria provided, multiple submitters, no conflicts (2 of 4 stars). 3 submissions from 3 submitters: Uncertain significance (3). Last evaluated 2021-07-07.

Conditions:
Cardiovascular phenotype. Identifiers: MedGen CN230736.
Primary dilated cardiomyopathy (DCM). Also called: Dilated Cardiomyopathy. Identifiers: Orphanet 217604, MedGen C0007193, MeSH D002311, MONDO:0005021, HP:0001644. Inheritance: Various modes of inheritance.

Allele frequency attached by ClinVar (database versions not stated): gnomAD 0.00001; TOPMed 0.00001.
gnomAD v4.1: 3 of 1,612,092 alleles (0.00019%); highest among the groups gnomAD compares: Non-Finnish European, 0.00017%; no homozygotes.

Submissions (3):

Ambry Genetics
Classification: Uncertain significance for Cardiovascular phenotype. Last evaluated: 2021-07-07. Review status: criteria provided, single submitter. Criteria: Ambry Variant Classification Scheme 2023. Collection method: clinical testing. Allele origin: germline.
Comment: The p.Y113C variant (also known as c.338A>G), located in coding exon 4 of the TXNRD2 gene, results from an A to G substitution at nucleotide position 338. The tyrosine at codon 113 is replaced by cysteine, an amino acid with highly dissimilar properties. This amino acid position is conserved. In addition, the in silico prediction for this alteration is inconclusive. Since supporting evidence is limited at this time, the clinical significance of this alteration remains unclear.

Labcorp Genetics (formerly Invitae), Labcorp
Classification: Uncertain significance for Primary dilated cardiomyopathy. Last evaluated: 2021-06-10. Review status: criteria provided, single submitter. Criteria: Invitae Variant Classification Sherloc (09022015). Collection method: clinical testing. Allele origin: germline.
Comment: In summary, the available evidence is currently insufficient to determine the role of this variant in disease. Therefore, it has been classified as a Variant of Uncertain Significance. Algorithms developed to predict the effect of missense changes on protein structure and function (SIFT, PolyPhen-2, Align-GVGD) all suggest that this variant is likely to be disruptive, but these predictions have not been confirmed by published functional studies and their clinical significance is uncertain. This variant has not been reported in the literature in individuals with TXNRD2-related disease. This variant is not present in population databases (ExAC no frequency). This sequence change replaces tyrosine with cysteine at codon 113 of the TXNRD2 protein (p.Tyr113Cys). The tyrosine residue is highly conserved and there is a large physicochemical difference between tyrosine and cysteine.

Blueprint Genetics
Classification: Uncertain significance. Last evaluated: 2020-10-06. Review status: criteria provided, single submitter. Criteria: ACMG Guidelines, 2015. Collection method: clinical testing. Allele origin: germline.

NM_006440.5(TXNRD2):c.338A>G (p.Tyr113Cys)

Gene: TXNRD2 (thioredoxin reductase 2; minus strand). Cytogenetic location: 22q11.21.
Variant type: single nucleotide variant.
Coding change: c.338A>G on transcript NM_006440.5 (MANE Select); coding-DNA position 338, A replaced by G.
Protein change: p.Tyr113Cys; replaces tyrosine 113 with cysteine.
Molecular consequence: missense variant. On other transcripts: non-coding transcript variant (1).
Genome position (GRCh38, 1-based): chr22:19,918,896, T>C on the plus strand (A>G on the coding strand, the complement: TXNRD2 is on the minus strand). VCF-style: chr22-19918896-T-C. GRCh37 (hg19) VCF-style: chr22-19906419-T-C.
Other names: c.338A>G, p.Tyr113Cys (NM_001282512.3); c.335A>G, p.Tyr112Cys (NM_001352300.2); c.248A>G, p.Tyr83Cys (NM_001352301.2); c.50A>G, p.Tyr17Cys (NM_001352302.2); c.242A>G, p.Tyr81Cys (NM_001352303.2); short protein forms Y17C, Y83C, Y112C, Y81C, Y113C.
Identifiers: ClinVar variation 654863 (VCV000654863.10), dbSNP rs905391308, ClinGen allele CA410693741.
Genomic context (GRCh38, chr22:19,918,896, plus strand): 5'-AATGCCACGGCGCCAGATCCTTACCAGTCATGCGGCACGGGCTGGGCCACCTCCCAGCCA[T>C]AGTTGGGGGCATCTTGGATCAGGCCTCCCAGCAGTGCCGCCTGGTGCATCAGCTTCTTGG-3'
Protein context (NP_006431.2, residues 103-123): LGGLIQDAPN[Tyr113Cys]GWEVAQPVPH